The following is an entry in ClinVar:

NM_000273.3(GPR143):c.904del (p.Gln302fs)

Gene: GPR143 (G protein-coupled receptor 143; minus strand). Cytogenetic location: Xp22.2.
Variant type: Deletion.
Coding change: c.904del on transcript NM_000273.3 (MANE Select); coding-DNA position 904, one base deleted (C; older notation c.904delC).
Protein change: p.Gln302fs; shifts the reading frame from glutamine 302.
Molecular consequence: frameshift variant.
Genome position (GRCh38, 1-based): chrX:9,739,701, G deleted on the plus strand (C on the coding strand, the reverse complement: GPR143 is on the minus strand); the first of 3 consecutive G bases (chrX:9,739,701-9,739,703); deleting any one gives the same sequence. VCF-style (leftmost placement, unchanged base first): chrX-9739700-TG-T. GRCh37 (hg19) VCF-style: chrX-9707740-TG-T.
Other names: c.904delC (NM_000273.3); c.904del, p.Gln302fs (NM_001440781.1); short protein forms Q302fs.
Identifiers: ClinVar variation 4077137 (VCV004077137.1).

ClinVar aggregate classification (germline): Pathogenic (1 of 4 stars; one submission).

Conditions:
Nystagmus 6, congenital, X-linked (NYS6). Identifiers: MedGen C3151752, MONDO:0010435, OMIM 300814.
Ocular albinism, type I (OA1). Also called: X-linked recessive ocular albinism; Ocular Albinism type 1; Ocular albinism, type I, Nettleship-Falls type; NETTLESHIP-FALLS TYPE OCULAR ALBINISM. Identifiers: Orphanet 54, MedGen C0342684, MONDO:0021019, OMIM 300500.

Submission:

Laboratory of Genetic Epidemiology, Research Centre for Medical Genetics
Classification: Pathogenic for Nystagmus 6, congenital, X-linked; Ocular albinism, type I. Last evaluated: 2025-01-01. Review status: criteria provided, single submitter. Criteria: ACMG Guidelines, 2015. Collection method: clinical testing. Allele origin: unknown. Inheritance: Autosomal recessive inheritance. Affected: yes. Observed: 1 hemizygote.
Comment: This variant has not been previously reported in the literature and is not listed in gnomAD v3.1.2. Taken together, the variant meets the following ACMG/AMP criteria and can be classified as pathogenic with PM2, PVS1, PP4 criteria.

Literature cited by the submitters: PubMed 41428507.